The following is an entry in ClinVar:

ClinVar aggregate classification (germline): Uncertain significance. Review status: reviewed by expert panel (3 of 4 stars). 5 submissions from 5 submitters: Uncertain significance (1). 4 of the submissions do not count toward it. Last evaluated 2026-11-19.

Conditions:
Hereditary breast ovarian cancer syndrome. Also called: Hereditary breast and/or ovarian cancer syndrome; Breast and ovarian cancer; Hereditary breast and ovarian cancer; Hereditary breast and ovarian cancer syndrome (HBOC); BRCA1- and BRCA2-Associated Hereditary Breast and Ovarian Cancer; Hereditary breast and ovarian cancer syndrome. Identifiers: Orphanet 145, MedGen C0677776, MeSH D061325, MONDO:0003582. Disease mechanism: loss of function.
BRCA2-related cancer predisposition. Identifiers: MedGen CN377758, MONDO:0700269.
Hereditary cancer-predisposing syndrome. Also called: Hereditary Cancer Syndrome; Hereditary neoplastic syndrome; Tumor predisposition; Neoplastic Syndromes, Hereditary. Identifiers: Orphanet 140162, MedGen C0027672, MeSH D009386, MONDO:0015356.

Submissions (5):

ClinGen ENIGMA BRCA1 and BRCA2 Variant Curation Expert Panel, ClinGen
Classification: Uncertain significance for BRCA2-related cancer predisposition. Last evaluated: 2026-11-19. Review status: reviewed by expert panel. Criteria: CSpec BRCA1/2ACMG Rules Specifications V1.2. Collection method: curation. Allele origin: germline. Inheritance: Autosomal dominant inheritance.
Comment: The c.8351G>T variant in BRCA2 is a missense variant predicted to cause substitution of Arginine by Leucine at amino acid 2784 (p.(Arg2784Leu)). This variant is absent from gnomAD v4.1 (read depth ≥25x in >90% samples, PM2_Supporting met). This BRCA2 missense variant is within a key functional domain and a SpliceAI score of 0.05 predicts no impact on splicing (score threshold ≤0.1). The computational predictor BayesDel (noAF) gives a score of 0.4, above the recommended threshold of 0.30 for prediction of impact on BRCA2 function via protein change (PP3 met). Reported by one calibrated study to exhibit a partial impact on protein function, between what was observed for benign and pathogenic control variants (PMID: 39779848) (PS3 and BS3 not met). Another variant located at the same nucleotide position with a similar BayesDel score but evidence of functional impact (PS3, 4 assays) has been reported to exhibit reduced penetrance (BRCA2:c.8351G>A, p.(Arg2784Gln), PMID: 41412794). In summary, this variant meets the criteria to be classified as a Variant of uncertain significance for BRCA2-related cancer predisposition based on the ACMG/AMP criteria applied as specified by the ENIGMA BRCA1/2 VCEP (v1.2) (PM2_Supporting, PP3).

Labcorp Genetics (formerly Invitae), Labcorp
Classification: Uncertain significance for Hereditary breast ovarian cancer syndrome. Last evaluated: 2023-10-05. Review status: criteria provided, single submitter. Criteria: Invitae Variant Classification Sherloc (09022015). Collection method: clinical testing. Allele origin: germline. Not counted in ClinVar's aggregate classification.
Comment: This sequence change replaces arginine, which is basic and polar, with leucine, which is neutral and non-polar, at codon 2784 of the BRCA2 protein (p.Arg2784Leu). This variant is not present in population databases (gnomAD no frequency). This variant has not been reported in the literature in individuals affected with BRCA2-related conditions. ClinVar contains an entry for this variant (Variation ID: 491350). Advanced modeling of protein sequence and biophysical properties (such as structural, functional, and spatial information, amino acid conservation, physicochemical variation, residue mobility, and thermodynamic stability) has been performed at Invitae for this missense variant, however the output from this modeling did not meet the statistical confidence thresholds required to predict the impact of this variant on BRCA2 protein function. This variant disrupts the p.Arg2784 amino acid residue in BRCA2. Other variant(s) that disrupt this residue have been determined to be pathogenic (PMID: 16683254, 21520333, 27616075, 30032850, 34350294). This suggests that this residue is clinically significant, and that variants that disrupt this residue are likely to be disease-causing. In summary, the available evidence is currently insufficient to determine the role of this variant in disease. Therefore, it has been classified as a Variant of Uncertain Significance.

Quest Diagnostics Nichols Institute San Juan Capistrano
Classification: Uncertain significance. Last evaluated: 2020-04-10. Review status: criteria provided, single submitter. Criteria: Quest Diagnostics criteria. Collection method: clinical testing. Allele origin: unknown. Not counted in ClinVar's aggregate classification.

Ambry Genetics
Classification: Likely pathogenic for Hereditary cancer-predisposing syndrome. Last evaluated: 2020-01-24. Review status: criteria provided, single submitter. Criteria: Ambry Variant Classification Scheme 2023. Collection method: clinical testing. Allele origin: germline. Not counted in ClinVar's aggregate classification.
Comment: The p.R2784L variant (also known as c.8351G>T), located in coding exon 18 of the BRCA2 gene, results from a G to T substitution at nucleotide position 8351. The arginine at codon 2784 is replaced by leucine, an amino acid with dissimilar properties. A close-match alteration at this same codon, p.R2784W, is considered likely pathogenic and has been identified in a Fanconi anemia patient (Personal communication). This alteration was deleterious in a homology-directed DNA repair (HDR) assay (Ambry internal data). Internal structural analysis indicates that this variant is likely to disrupt BRCA2 binding to DSS1, a protein that has been shown to stabilize BRCA2 and participate in its clinically relevant functions (Ambry internal data; Yang H et al. Science 2002 Sep;297:1837-48). This amino acid position is highly conserved in available vertebrate species. In addition, this alteration is predicted to be deleterious by in silico analysis. Based on the majority of available evidence to date, this variant is likely to be pathogenic. However, because variants at this codon have been identified in one or more patients with Fanconi Anemia this variant may be hypomorphic and thus, carriers of this variant and their families may present with reduced risks, and not with the typical clinical characteristics of a high-risk pathogenic BRCA2 alteration. As risk estimates are unknown at this time, clinical correlation is advised.

Color Diagnostics, LLC DBA Color Health
Classification: Uncertain significance for Hereditary cancer-predisposing syndrome. Last evaluated: 2019-05-03. Review status: criteria provided, single submitter. Criteria: ACMG Guidelines, 2015. Collection method: clinical testing. Allele origin: germline. Not counted in ClinVar's aggregate classification.

Literature cited by the submitters: PubMed 16683254 (cited by Labcorp Genetics (formerly Invitae), Labcorp); PubMed 21520333 (cited by Labcorp Genetics (formerly Invitae), Labcorp); PubMed 27616075 (cited by Labcorp Genetics (formerly Invitae), Labcorp); PubMed 30032850 (cited by Labcorp Genetics (formerly Invitae), Labcorp); PubMed 34350294 (cited by Labcorp Genetics (formerly Invitae), Labcorp); PubMed 16205630 (cited by Ambry Genetics).

NM_000059.4(BRCA2):c.8351G>T (p.Arg2784Leu)

Gene: BRCA2 (BRCA2 DNA repair associated; plus strand). Cytogenetic location: 13q13.1.
Variant type: single nucleotide variant.
Coding change: c.8351G>T on transcript NM_000059.4 (MANE Select); coding-DNA position 8351, G replaced by T.
Protein change: p.Arg2784Leu; replaces arginine 2784 with leucine.
Molecular consequence: missense variant.
Genome position (GRCh38, 1-based): chr13:32,370,421, G>T. VCF-style: chr13-32370421-G-T. GRCh37 (hg19) VCF-style: chr13-32944558-G-T.
Other names: NM_000059.4(BRCA2):c.8351G>T; p.Arg2784Leu; short protein forms R2784L.
Identifiers: ClinVar variation 491350 (VCV000491350.14), dbSNP rs80359076, ClinGen allele CA387752389.